The following is an entry in ClinVar:

ClinVar aggregate classification (germline): Pathogenic. Review status: criteria provided, multiple submitters, no conflicts (2 of 4 stars). 3 submissions from 3 submitters: Pathogenic (2). 1 of the submissions does not count toward it. Last evaluated 2023-06-30.

Conditions:
Optic atrophy. Identifiers: MedGen C0029124, MONDO:0003608, HP:0000648.

Submissions (3):

Labcorp Genetics (formerly Invitae), Labcorp
Classification: Pathogenic. Last evaluated: 2023-06-30. Review status: criteria provided, single submitter. Criteria: Invitae Variant Classification Sherloc (09022015). Collection method: clinical testing. Allele origin: germline.
Comment: This sequence change affects a donor splice site in intron 10 of the OPA1 gene. RNA analysis indicates that disruption of this splice site induces altered splicing and likely results in a shortened protein product. This variant is not present in population databases (gnomAD no frequency). Disruption of this splice site has been observed in individuals with autosomal dominant optic atrophy (PMID: 15948788, 17722006, 27860320; Invitae). It has also been observed to segregate with disease in related individuals. This variant is also known as c.1230+1G>A in NM_130837.2. ClinVar contains an entry for this variant (Variation ID: 871022). Studies have shown that disruption of this splice site results in skipping of exon 10, but is expected to preserve the integrity of the reading-frame (PMID: 17722006). For these reasons, this variant has been classified as Pathogenic.

CeGaT Center for Human Genetics Tuebingen
Classification: Pathogenic. Last evaluated: 2019-09-01. Review status: criteria provided, single submitter. Criteria: CeGaT Center For Human Genetics Tuebingen Variant Classification Criteria Version 2. Collection method: clinical testing. Allele origin: germline. Affected: yes. Observed: 3 variant alleles.

Institute of Human Genetics, Univ. Regensburg, Univ. Regensburg
Classification: Pathogenic for Optic atrophy. Last evaluated: 2010-01-01. Review status: no assertion criteria provided. Criteria: ACMG Guidelines, 2015. Collection method: clinical testing. Allele origin: germline. Affected: yes. Not counted in ClinVar's aggregate classification.

Literature cited by the submitters: PubMed 15948788 (cited by Labcorp Genetics (formerly Invitae), Labcorp); PubMed 17722006 (cited by Labcorp Genetics (formerly Invitae), Labcorp); PubMed 27860320 (cited by Labcorp Genetics (formerly Invitae), Labcorp).

NM_130837.3(OPA1):c.1230+1G>A

Gene: OPA1 (OPA1 mitochondrial dynamin like GTPase; plus strand). Cytogenetic location: 3q29.
Variant type: single nucleotide variant.
Coding change: c.1230+1G>A on transcript NM_130837.3 (MANE Select); the canonical splice donor site of the intron after coding-DNA position 1230, G replaced by A.
Molecular consequence: splice donor variant.
Genome position (GRCh38, 1-based): chr3:193,642,846, G>A. VCF-style: chr3-193642846-G-A. GRCh37 (hg19) VCF-style: chr3-193360635-G-A.
Other names: c.693+1G>A (NM_001354664.2); c.696+1G>A (NM_001354663.2); c.1119+1G>A (NM_130834.3); c.1176+1G>A (NM_130836.3); c.1065+1G>A (NM_015560.3); c.1122+1G>A (NM_130835.3); c.1011+1G>A (NM_130832.3); c.1068+1G>A (NM_130833.3); and 1 more.
Identifiers: ClinVar variation 871022 (VCV000871022.45), dbSNP rs80356528, ClinGen allele CA355788959.